The following is an entry in ClinVar:

NM_020719.3(PRR12):c.1139A>T (p.Tyr380Phe)

Gene: PRR12 (proline rich 12; plus strand). Cytogenetic location: 19q13.33.
Variant type: single nucleotide variant.
Coding change: c.1139A>T on transcript NM_020719.3 (MANE Select); coding-DNA position 1139, A replaced by T.
Protein change: p.Tyr380Phe; replaces tyrosine 380 with phenylalanine.
Molecular consequence: missense variant.
Genome position (GRCh38, 1-based): chr19:49,595,474, A>T. VCF-style: chr19-49595474-A-T. GRCh37 (hg19) VCF-style: chr19-50098731-A-T.
Other names: short protein forms Y380F.
Identifiers: ClinVar variation 4978427 (VCV004978427.1).

ClinVar aggregate classification (germline): Uncertain significance (1 of 4 stars; one submission).

Conditions:
PRR12-related disorder. Also called: PRR12-related condition.

gnomAD v4.1: 3 of 1,551,038 alleles (0.00019%); highest among the groups gnomAD compares: Non-Finnish European, 0.00026%; no homozygotes.

Submission:

PreventionGenetics, part of Exact Sciences
Classification: Uncertain significance for PRR12-related condition. Last evaluated: 2025-03-05. Review status: criteria provided, single submitter. Criteria: ACMG Guidelines, 2015. Collection method: clinical testing. Allele origin: germline.
Comment: The PRR12 c.1139A>T variant is predicted to result in the amino acid substitution p.Tyr380Phe. To our knowledge, this variant has not been reported in the literature or in a large population database (gnomAD), indicating this variant is rare. At this time, the clinical significance of this variant is uncertain due to the absence of conclusive functional and genetic evidence.